The following is an entry in ClinVar:

NM_001845.6(COL4A1):c.4006_4007insATCACGGCG (p.Gly1335_Val1336insAspHisGly)

Gene: COL4A1 (collagen type IV alpha 1 chain; minus strand). Cytogenetic location: 13q34.
Variant type: Insertion.
Coding change: c.4006_4007insATCACGGCG on transcript NM_001845.6 (MANE Select); coding-DNA positions 4006 to 4007, ATCACGGCG inserted.
Protein change: p.Gly1335_Val1336insAspHisGly.
Genome position: GRCh38 VCF-style: chr13-110166246-A-ACGCCGTGAT. GRCh37 (hg19) VCF-style: chr13-110818593-A-ACGCCGTGAT.
Identifiers: ClinVar variation 4072642 (VCV004072642.1).

ClinVar aggregate classification (germline): Uncertain significance (1 of 4 stars; one submission).

Submission:

GeneDx
Classification: Uncertain significance. Last evaluated: 2025-01-29. Review status: criteria provided, single submitter. Criteria: GeneDx Variant Classification Process June 2021. Collection method: clinical testing. Allele origin: germline. Affected: yes.
Comment: Not observed at significant frequency in large population cohorts (gnomAD); In-frame insertion of 3 amino acids in the triple helical domain; Has not been previously published as pathogenic or benign to our knowledge